The following is an entry in ClinVar:

NM_000322.5(PRPH2):c.920T>C (p.Leu307Pro)

Gene: PRPH2 (peripherin 2; minus strand). Cytogenetic location: 6p21.1.
Variant type: single nucleotide variant.
Coding change: c.920T>C on transcript NM_000322.5 (MANE Select); coding-DNA position 920, T replaced by C.
Protein change: p.Leu307Pro; replaces leucine 307 with proline.
Molecular consequence: missense variant.
Genome position (GRCh38, 1-based): chr6:42,698,416, A>G on the plus strand (T>C on the coding strand, the complement: PRPH2 is on the minus strand). VCF-style: chr6-42698416-A-G. GRCh37 (hg19) VCF-style: chr6-42666154-A-G.
Other names: short protein forms L307P.
Identifiers: ClinVar variation 1447383 (VCV001447383.6), dbSNP rs2152003843, ClinGen allele CA364133119.
Genomic context (GRCh38, chr6:42,698,416, plus strand): 5'-CCCAGCTTCTTCACACTCTCCAGAAAGGCCTTCCAGGTCTCCGGCACGCTCCTCTCCAGC[A>G]GCCAGCCCTGGCTCTCGCTCTCAGATTCCTCGGGGTTGGACACACCATCCAGCGACGTCT-3'
Protein context (NP_000313.2, residues 297-317): EESESESQGW[Leu307Pro]LERSVPETWK

ClinVar aggregate classification (germline): Uncertain significance (1 of 4 stars; one submission).

Conditions:
PRPH2-related disorder. Also called: PRPH2-related condition; PRPH2-related disorders. Identifiers: MedGen CN239395.

Submission:

Labcorp Genetics (formerly Invitae), Labcorp
Classification: Uncertain significance for PRPH2-related disorder. Last evaluated: 2021-11-19. Review status: criteria provided, single submitter. Criteria: Invitae Variant Classification Sherloc (09022015). Collection method: clinical testing. Allele origin: germline.
Comment: In summary, the available evidence is currently insufficient to determine the role of this variant in disease. Therefore, it has been classified as a Variant of Uncertain Significance. Advanced modeling of protein sequence and biophysical properties (such as structural, functional, and spatial information, amino acid conservation, physicochemical variation, residue mobility, and thermodynamic stability) performed at Invitae indicates that this missense variant is expected to disrupt PRPH2 protein function. This variant has not been reported in the literature in individuals affected with PRPH2-related conditions. This variant is not present in population databases (gnomAD no frequency). This sequence change replaces leucine, which is neutral and non-polar, with proline, which is neutral and non-polar, at codon 307 of the PRPH2 protein (p.Leu307Pro).